The following is an entry in ClinVar:

ClinVar aggregate classification (germline): Uncertain significance (1 of 4 stars; one submission).

Conditions:
Baller-Gerold syndrome (BGS). Also called: CRANIOSYNOSTOSIS WITH RADIAL DEFECTS. Identifiers: Orphanet 1225, MedGen C0265308, MONDO:0009039, OMIM 218600.

Submission:

Labcorp Genetics (formerly Invitae), Labcorp
Classification: Uncertain significance for Baller-Gerold syndrome. Last evaluated: 2018-01-23. Review status: criteria provided, single submitter. Criteria: Invitae Variant Classification Sherloc (09022015). Collection method: clinical testing. Allele origin: germline.
Comment: In summary, the available evidence is currently insufficient to determine the role of this variant in disease. Therefore, it has been classified as a Variant of Uncertain Significance. Algorithms developed to predict the effect of missense changes on protein structure and function (SIFT, PolyPhen-2, Align-GVGD) all suggest that this variant is likely to be disruptive, but these predictions have not been confirmed by published functional studies and their clinical significance is uncertain. This variant has not been reported in the literature in individuals with RECQL4-related disease. This variant is not present in population databases (ExAC no frequency). This sequence change replaces proline with alanine at codon 671 of the RECQL4 protein (p.Pro671Ala). The proline residue is highly conserved and there is a small physicochemical difference between proline and alanine.

NM_004260.4(RECQL4):c.2011C>G (p.Pro671Ala)

Gene: RECQL4 (RecQ like helicase 4; minus strand). Cytogenetic location: 8q24.3.
Variant type: single nucleotide variant.
Coding change: c.2011C>G on transcript NM_004260.4 (MANE Select); coding-DNA position 2011, C replaced by G.
Protein change: p.Pro671Ala; replaces proline 671 with alanine.
Molecular consequence: missense variant.
Genome position (GRCh38, 1-based): chr8:144,513,975, G>C on the plus strand (C>G on the coding strand, the complement: RECQL4 is on the minus strand). VCF-style: chr8-144513975-G-C. GRCh37 (hg19) VCF-style: chr8-145739359-G-C.
Other names: short protein forms P671A.
Identifiers: ClinVar variation 580152 (VCV000580152.4), dbSNP rs1256215770, ClinGen allele CA372680313.